The following is an entry in ClinVar:

NM_016122.3(CEP83):c.1194G>A (p.Lys398=)

Gene: CEP83 (centrosomal protein 83; minus strand). Cytogenetic location: 12q22.
Variant type: single nucleotide variant.
Coding change: c.1194G>A on transcript NM_016122.3 (MANE Select); coding-DNA position 1194, G replaced by A.
Protein change: p.Lys398=; no amino-acid change (lysine 398 retained).
Molecular consequence: synonymous variant. On other transcripts: non-coding transcript variant (1).
Genome position (GRCh38, 1-based): chr12:94,367,943, C>T on the plus strand (G>A on the coding strand, the complement: CEP83 is on the minus strand). VCF-style: chr12-94367943-C-T. GRCh37 (hg19) VCF-style: chr12-94761719-C-T.
Other names: c.1194G>A, p.Lys398= (NM_001042399.2, NM_001346457.2, NM_001368037.1 and 1 more transcripts); c.882G>A, p.Lys294= (NM_001346458.2, NM_001346459.2, NM_001368039.1 and 1 more transcripts); c.969G>A, p.Lys323= (NM_001368041.1).
Identifiers: ClinVar variation 954793 (VCV000954793.10), dbSNP rs1454522956, ClinGen allele CA481501574.

ClinVar aggregate classification (germline): Conflicting classifications of pathogenicity. Review status: criteria provided, conflicting classifications (1 of 4 stars). 2 submissions from 2 submitters: Uncertain significance (1); Likely benign (1). Last evaluated 2024-03-30.

Conditions:
Nephronophthisis 18 (NPHP18). Identifiers: Orphanet 655, MedGen C3890591, MONDO:0014374, OMIM 615862.

Allele frequency attached by ClinVar (database versions not stated): gnomAD exomes 0.00001; TOPMed 0.00001; gnomAD 0.00003.
gnomAD v4.1: 7 of 1,611,832 alleles (0.00043%); highest among the groups gnomAD compares: Non-Finnish European, 0.00059%; no homozygotes.

Submissions (2):

Blueprint Genetics
Classification: Likely benign. Last evaluated: 2024-03-30. Review status: criteria provided, single submitter. Criteria: ACMG Guidelines, 2015. Collection method: clinical testing. Allele origin: germline.

Labcorp Genetics (formerly Invitae), Labcorp
Classification: Uncertain significance for Nephronophthisis 18. Last evaluated: 2021-09-02. Review status: criteria provided, single submitter. Criteria: Invitae Variant Classification Sherloc (09022015). Collection method: clinical testing. Allele origin: germline.
Comment: This variant has not been reported in the literature in individuals with CEP83-related conditions. Algorithms developed to predict the effect of sequence changes on RNA splicing suggest that this variant is not likely to affect RNA splicing, but this prediction has not been confirmed by published transcriptional studies. In summary, the available evidence is currently insufficient to determine the role of this variant in disease. Therefore, it has been classified as a Variant of Uncertain Significance. This variant is not present in population databases (ExAC no frequency). This sequence change affects codon 398 of the CEP83 mRNA. It is a 'silent' change, meaning that it does not change the encoded amino acid sequence of the CEP83 protein.